The following is an entry in ClinVar:

ClinVar aggregate classification (germline): Pathogenic (1 of 4 stars; one submission).

Conditions:
Pheochromocytoma/paraganglioma syndrome 3. Also called: GLOMUS TUMORS, FAMILIAL, 3; Paragangliomas 3; SDHC-Related Hereditary Paraganglioma-Pheochromocytoma Syndrome (Paragangliomas 3); SDHC-Related Hereditary Paraganglioma-Pheochromocytoma Syndrome. Identifiers: Orphanet 29072, MedGen C1854336, MONDO:0011544, OMIM 605373.

Submission:

Myriad Genetics, Inc.
Classification: Pathogenic for Pheochromocytoma/paraganglioma syndrome 3. Last evaluated: 2023-04-19. Review status: criteria provided, single submitter. Criteria: Myriad Autosomal Dominant, Autosomal Recessive and X-Linked Classification Criteria (2023). Collection method: clinical testing. Allele origin: unknown.
Comment: This variant is considered pathogenic. This variant creates a frameshift predicted to result in premature protein truncation.

NM_003001.5(SDHC):c.107_108del (p.Glu36fs)

Gene: SDHC (succinate dehydrogenase complex subunit C; plus strand). Cytogenetic location: 1q23.3.
Variant type: Deletion.
Coding change: c.107_108del on transcript NM_003001.5 (MANE Select); coding-DNA positions 107 to 108, 2 bases deleted (AA; older notation c.107_108delAA).
Protein change: p.Glu36fs; shifts the reading frame from glutamic acid 36.
Molecular consequence: frameshift variant. On other transcripts: 5 prime UTR variant (2), non-coding transcript variant (1), intron variant (4).
Genome position (GRCh38, 1-based): chr1:161,328,425-161,328,426, AA deleted. VCF-style (leftmost placement, unchanged base first): chr1-161328424-GAA-G. GRCh37 (hg19) VCF-style: chr1-161298214-GAA-G.
Other names: c.107_108del, p.Glu36fs (NM_001035511.3, NM_001407115.1); c.50_51del, p.Glu17fs (NM_001407116.1, NM_001407117.1, NM_001407121.1); c.-5_-4del (NM_001407119.1, NM_001407120.1); c.77+4755_77+4756del (NM_001035512.3, NM_001278172.3, NM_001407118.1); c.21-12169_21-12168del (NM_001035513.3); short protein forms E17fs, E36fs.
Identifiers: ClinVar variation 2573281 (VCV002573281.1), dbSNP rs2526364384, ClinGen allele CA2580612563.